The following is an entry in ClinVar:

ClinVar aggregate classification (germline): Pathogenic (1 of 4 stars; one submission).

Submission:

Labcorp Genetics (formerly Invitae), Labcorp
Classification: Pathogenic. Last evaluated: 2024-01-18. Review status: criteria provided, single submitter. Criteria: Invitae Variant Classification Sherloc (09022015). Collection method: clinical testing. Allele origin: germline.
Comment: This sequence change creates a premature translational stop signal (p.Ser37Ilefs*17) in the CNGA3 gene. It is expected to result in an absent or disrupted protein product. Loss-of-function variants in CNGA3 are known to be pathogenic (PMID: 14757870, 24903488, 25637600). This variant is not present in population databases (gnomAD no frequency). This variant has not been reported in the literature in individuals affected with CNGA3-related conditions. For these reasons, this variant has been classified as Pathogenic.

Literature cited by the submitters: PubMed 14757870; PubMed 24903488; PubMed 25637600.

NM_001298.3(CNGA3):c.109_125del (p.Ser37fs)

Gene: CNGA3 (cyclic nucleotide gated channel subunit alpha 3; plus strand). Cytogenetic location: 2q11.2.
Variant type: Deletion.
Coding change: c.109_125del on transcript NM_001298.3 (MANE Select); coding-DNA positions 109 to 125, 17 bases deleted (TCGTCAAGTGAGGAGAC).
Protein change: p.Ser37fs; shifts the reading frame from serine 37.
Molecular consequence: frameshift variant.
Genome position (GRCh38, 1-based): chr2:98,377,694-98,377,710, TCGTCAAGTGAGGAGAC deleted; deleting any 17 consecutive bases within chr2:98,377,692-98,377,710 gives the same sequence; the c. name uses the placement nearest the transcript's 3' end. VCF-style (leftmost placement, unchanged base first): chr2-98377691-CACTCGTCAAGTGAGGAG-C. GRCh37 (hg19) VCF-style: chr2-98994154-CACTCGTCAAGTGAGGAG-C.
Other names: c.109_125del, p.Ser37fs (NM_001079878.2); short protein forms S37fs.
Identifiers: ClinVar variation 2996744 (VCV002996744.3), dbSNP rs2466976595, ClinGen allele CA2740095678.